The following is an entry in ClinVar:

NM_000535.7(PMS2):c.2446-17T>C

Gene: PMS2 (PMS1 homolog 2, mismatch repair system component; minus strand). Cytogenetic location: 7p22.1.
Variant type: single nucleotide variant.
Coding change: c.2446-17T>C on transcript NM_000535.7 (MANE Select); 17 bases into the intron before coding-DNA position 2446, T replaced by C.
Molecular consequence: intron variant.
Genome position (GRCh38, 1-based): chr7:5,973,559, A>G on the plus strand (T>C on the coding strand, the complement: PMS2 is on the minus strand). VCF-style: chr7-5973559-A-G. GRCh37 (hg19) VCF-style: chr7-6013190-A-G.
Other names: c.2128-17T>C (NM_001322008.2, NM_001322007.2); c.1885-17T>C (NM_001322010.2); c.2041-17T>C (NM_001322004.2, NM_001322003.2, NM_001322005.2); c.1873-17T>C (NM_001322013.2); c.1513-17T>C (NM_001322012.2, NM_001322011.2); c.2137-17T>C (NM_001322015.2); c.2290-17T>C (NM_001322006.2); c.2479-17T>C (NM_001322014.2); and 1 more.
Identifiers: ClinVar variation 1627817 (VCV001627817.9), dbSNP rs1184611724, ClinGen allele CA2573141931.

ClinVar aggregate classification (germline): Likely benign. Review status: criteria provided, multiple submitters, no conflicts (2 of 4 stars). 2 submissions from 2 submitters: Likely benign (2). Last evaluated 2025-02-04.

Conditions:
Hereditary nonpolyposis colorectal neoplasms. Identifiers: MedGen C0009405, MeSH D003123.
Lynch syndrome 4 (LYNCH4). Also called: Colorectal cancer, hereditary nonpolyposis, type 4; Hereditary non-polyposis colorectal cancer, type 4. Identifiers: Orphanet 144, MedGen C1838333, MONDO:0013699, OMIM 614337. Disease mechanism: loss of function.

Submissions (2):

Myriad Genetics, Inc.
Classification: Likely benign for Lynch syndrome 4. Last evaluated: 2025-02-04. Review status: criteria provided, single submitter. Criteria: Myriad Autosomal Dominant, Autosomal Recessive and X-Linked Classification Criteria (2023). Collection method: clinical testing. Allele origin: unknown.
Comment: This variant is considered likely benign. This variant is intronic and is not expected to impact mRNA splicing.

Labcorp Genetics (formerly Invitae), Labcorp
Classification: Likely benign for Hereditary nonpolyposis colorectal neoplasms. Last evaluated: 2024-11-13. Review status: criteria provided, single submitter. Criteria: Invitae Variant Classification Sherloc (09022015). Collection method: clinical testing. Allele origin: germline.